The following is an entry in ClinVar:

ClinVar aggregate classification (germline): Uncertain significance. Review status: criteria provided, multiple submitters, no conflicts (2 of 4 stars). 2 submissions from 2 submitters: Uncertain significance (2). Last evaluated 2022-05-25.

Allele frequency attached by ClinVar (database versions not stated): ExAC 0.00002; gnomAD 0.00002; gnomAD exomes 0.00003.
gnomAD v4.1: 8 of 1,612,734 alleles (0.0005%); highest among the groups gnomAD compares: East Asian, 0.018%; no homozygotes.

Submissions (2):

Ambry Genetics
Classification: Uncertain significance. Last evaluated: 2022-05-25. Review status: criteria provided, single submitter. Criteria: Ambry Variant Classification Scheme 2023. Collection method: clinical testing. Allele origin: germline.

Labcorp Genetics (formerly Invitae), Labcorp
Classification: Uncertain significance. Last evaluated: 2020-12-02. Review status: criteria provided, single submitter. Criteria: Invitae Variant Classification Sherloc (09022015). Collection method: clinical testing. Allele origin: germline.
Comment: In summary, the available evidence is currently insufficient to determine the role of this variant in disease. Therefore, it has been classified as a Variant of Uncertain Significance. Algorithms developed to predict the effect of missense changes on protein structure and function (SIFT, PolyPhen-2, Align-GVGD) all suggest that this variant is likely to be disruptive, but these predictions have not been confirmed by published functional studies and their clinical significance is uncertain. This variant has not been reported in the literature in individuals with C2-related conditions. This variant is present in population databases (rs754270238, ExAC 0.02%). This sequence change replaces tryptophan with cysteine at codon 699 of the C2 protein (p.Trp699Cys). The tryptophan residue is highly conserved and there is a large physicochemical difference between tryptophan and cysteine.

NM_000063.6(C2):c.2097G>C (p.Trp699Cys)

Gene: C2 (complement C2; plus strand). Cytogenetic location: 6p21.33.
Variant type: single nucleotide variant.
Coding change: c.2097G>C on transcript NM_000063.6 (MANE Select); coding-DNA position 2097, G replaced by C.
Protein change: p.Trp699Cys; replaces tryptophan 699 with cysteine.
Molecular consequence: missense variant.
Genome position (GRCh38, 1-based): chr6:31,945,195, G>C. VCF-style: chr6-31945195-G-C. GRCh37 (hg19) VCF-style: chr6-31912972-G-C.
Other names: c.1701G>C, p.Trp567Cys (NM_001145903.3); c.1455G>C, p.Trp485Cys (NM_001178063.3); c.1359G>C, p.Trp453Cys (NM_001282457.2); c.2010G>C, p.Trp670Cys (NM_001282458.2); c.2097G>C (NM_000063.4); short protein forms W453C, W670C, W485C, W567C, W699C.
Identifiers: ClinVar variation 1510880 (VCV001510880.7), dbSNP rs754270238, ClinGen allele CA3727888.